The following is an entry in ClinVar:

NM_024642.5(GALNT12):c.1535G>A (p.Gly512Glu)

Gene: GALNT12 (polypeptide N-acetylgalactosaminyltransferase 12; plus strand). Cytogenetic location: 9q22.33.
Variant type: single nucleotide variant.
Coding change: c.1535G>A on transcript NM_024642.5 (MANE Select); coding-DNA position 1535, G replaced by A.
Protein change: p.Gly512Glu; replaces glycine 512 with glutamic acid.
Molecular consequence: missense variant.
Genome position (GRCh38, 1-based): chr9:98,846,053, G>A. VCF-style: chr9-98846053-G-A. GRCh37 (hg19) VCF-style: chr9-101608335-G-A.
Other names: short protein forms G512E.
Identifiers: ClinVar variation 1774707 (VCV001774707.2), dbSNP rs2490557663, ClinGen allele CA374221753.

ClinVar aggregate classification (germline): Uncertain significance (1 of 4 stars; one submission).

Submission:

Ambry Genetics
Classification: Uncertain significance. Last evaluated: 2020-11-27. Review status: criteria provided, single submitter. Criteria: Ambry Variant Classification Scheme 2023. Collection method: clinical testing. Allele origin: germline.
Comment: The p.G512E variant (also known as c.1535G>A), located in coding exon 9 of the GALNT12 gene, results from a G to A substitution at nucleotide position 1535. The glycine at codon 512 is replaced by glutamic acid, an amino acid with similar properties. This amino acid position is not well conserved in available vertebrate species. In addition, this alteration is predicted to be tolerated by in silico analysis. Since supporting evidence is limited at this time, the clinical significance of this alteration remains unclear.